The following is an entry in ClinVar:

ClinVar aggregate classification (germline): Uncertain significance (1 of 4 stars; one submission).

Allele frequency attached by ClinVar (database versions not stated): gnomAD exomes below 0.00001; TOPMed below 0.00001; gnomAD 0.00001.
gnomAD v4.1: 5 of 992,312 alleles (0.0005%); highest among the groups gnomAD compares: African/African-American, 0.0018%; no homozygotes.

Submission:

Labcorp Genetics (formerly Invitae), Labcorp
Classification: Uncertain significance. Last evaluated: 2021-09-15. Review status: criteria provided, single submitter. Criteria: Invitae Variant Classification Sherloc (09022015). Collection method: clinical testing. Allele origin: germline.
Comment: In summary, the available evidence is currently insufficient to determine the role of this variant in disease. Therefore, it has been classified as a Variant of Uncertain Significance. Advanced modeling of protein sequence and biophysical properties (such as structural, functional, and spatial information, amino acid conservation, physicochemical variation, residue mobility, and thermodynamic stability) performed at Invitae indicates that this missense variant is not expected to disrupt GRIN2D protein function. This variant has not been reported in the literature in individuals affected with GRIN2D-related conditions. The frequency data for this variant in the population databases is considered unreliable, as metrics indicate poor data quality at this position in the ExAC database. This sequence change replaces leucine with proline at codon 1071 of the GRIN2D protein (p.Leu1071Pro). The leucine residue is weakly conserved and there is a moderate physicochemical difference between leucine and proline.

NM_000836.4(GRIN2D):c.3212T>C (p.Leu1071Pro)

Gene: GRIN2D (glutamate ionotropic receptor NMDA type subunit 2D; plus strand). Cytogenetic location: 19q13.33.
Variant type: single nucleotide variant.
Coding change: c.3212T>C on transcript NM_000836.4 (MANE Select); coding-DNA position 3212, T replaced by C.
Protein change: p.Leu1071Pro; replaces leucine 1071 with proline.
Molecular consequence: missense variant.
Genome position (GRCh38, 1-based): chr19:48,443,138, T>C. VCF-style: chr19-48443138-T-C. GRCh37 (hg19) VCF-style: chr19-48946395-T-C.
Other names: short protein forms L1071P.
Identifiers: ClinVar variation 1483925 (VCV001483925.6), dbSNP rs774451564, ClinGen allele CA9550819.